The following is an entry in ClinVar:

ClinVar aggregate classification (germline): Uncertain significance. Review status: criteria provided, multiple submitters, no conflicts (2 of 4 stars). 2 submissions from 2 submitters: Uncertain significance (2). Last evaluated 2025-10-23.

Conditions:
Neurofibromatosis, type 2 (SWNV). Also called: NF2-Related Schwannomatosis; SCHWANNOMATOSIS, VESTIBULAR; BILATERAL ACOUSTIC NEUROFIBROMATOSIS. Identifiers: Orphanet 637, MedGen C0027832, MONDO:0007039, OMIM 101000. Disease mechanism: loss of function.
Hereditary cancer-predisposing syndrome. Also called: Hereditary Cancer Syndrome; Neoplastic Syndromes, Hereditary; Hereditary neoplastic syndrome; Tumor predisposition. Identifiers: Orphanet 140162, MedGen C0027672, MeSH D009386, MONDO:0015356.

Submissions (2):

Labcorp Genetics (formerly Invitae), Labcorp
Classification: Uncertain significance for Neurofibromatosis, type 2. Last evaluated: 2025-10-23. Review status: criteria provided, single submitter. Criteria: Invitae Variant Classification Sherloc (09022015). Collection method: clinical testing. Allele origin: germline.
Comment: This sequence change replaces arginine, which is basic and polar, with glycine, which is neutral and non-polar, at codon 418 of the NF2 protein (p.Arg418Gly). This variant is not present in population databases (gnomAD no frequency). This variant has not been reported in the literature in individuals affected with NF2-related conditions. ClinVar contains an entry for this variant (Variation ID: 3879174). Invitae Evidence Modeling of protein sequence and biophysical properties (such as structural, functional, and spatial information, amino acid conservation, physicochemical variation, residue mobility, and thermodynamic stability) indicates that this missense variant is not expected to disrupt NF2 protein function with a negative predictive value of 80%. In summary, the available evidence is currently insufficient to determine the role of this variant in disease. Therefore, it has been classified as a Variant of Uncertain Significance.

Ambry Genetics
Classification: Uncertain significance for Hereditary cancer-predisposing syndrome. Last evaluated: 2025-01-20. Review status: criteria provided, single submitter. Criteria: Ambry Variant Classification Scheme 2023. Collection method: clinical testing. Allele origin: germline.
Comment: The p.R418G variant (also known as c.1252C>G), located in coding exon 12 of the NF2 gene, results from a C to G substitution at nucleotide position 1252. The arginine at codon 418 is replaced by glycine, an amino acid with dissimilar properties. This amino acid position is conserved. In addition, the in silico prediction for this alteration is inconclusive. Based on the available evidence, the clinical significance of this variant remains unclear.

NM_000268.4(NF2):c.1252C>G (p.Arg418Gly)

Gene: NF2 (NF2, moesin-ezrin-radixin like (MERLIN) tumor suppressor; plus strand). Cytogenetic location: 22q12.2.
Variant type: single nucleotide variant.
Coding change: c.1252C>G on transcript NM_000268.4 (MANE Select); coding-DNA position 1252, C replaced by G.
Protein change: p.Arg418Gly; replaces arginine 418 with glycine.
Molecular consequence: missense variant. On other transcripts: intron variant (1).
Genome position (GRCh38, 1-based): chr22:29,673,398, C>G. VCF-style: chr22-29673398-C-G. GRCh37 (hg19) VCF-style: chr22-30069387-C-G.
Other names: c.1138C>G, p.Arg380Gly (NM_001407053.1, NM_001407056.1); c.1129C>G, p.Arg377Gly (NM_001407054.1, NM_001407058.1, NM_181829.3); c.1126C>G, p.Arg376Gly (NM_001407055.1, NM_181828.3); c.1117C>G, p.Arg373Gly (NM_001407057.1, NM_001407059.1); c.1252C>G, p.Arg418Gly (NM_001407060.1, NM_001407066.1, NM_016418.5 and 2 more transcripts); c.994C>G, p.Arg332Gly (NM_001407062.1); c.1003C>G, p.Arg335Gly (NM_001407063.1, NM_001407064.1, NM_181830.3 and 1 more transcripts); c.718C>G, p.Arg240Gly (NM_001407065.1); and 2 more; short protein forms R332G, R373G, R418G, R341G, R376G, R240G, R377G, R335G.
Identifiers: ClinVar variation 3879174 (VCV003879174.2).
Genomic context (GRCh38, chr22:29,673,398, plus strand): 5'-CTGGCCCAGAAGGCCGCAGAGGCTGAGCAGGAAATGCAGCGCATCAAGGCCACAGCGATT[C>G]GCACGGAGGAGGAGAAGCGCCTGATGGAGCAGAAGGTGCTGGAAGCCGAGGTGCTGGCAC-3'
Protein context (NP_000259.1, residues 408-428): EMQRIKATAI[Arg418Gly]TEEEKRLMEQ